The following is an entry in ClinVar:

NM_016169.4(SUFU):c.815A>G (p.Lys272Arg)

Gene: SUFU (SUFU negative regulator of hedgehog signaling; plus strand). Cytogenetic location: 10q24.32.
Variant type: single nucleotide variant.
Coding change: c.815A>G on transcript NM_016169.4 (MANE Select); coding-DNA position 815, A replaced by G.
Protein change: p.Lys272Arg; replaces lysine 272 with arginine.
Molecular consequence: missense variant.
Genome position (GRCh38, 1-based): chr10:102,597,198, A>G. VCF-style: chr10-102597198-A-G. GRCh37 (hg19) VCF-style: chr10-104356955-A-G.
Other names: c.815A>G, p.Lys272Arg (NM_001178133.2); short protein forms K272R.
Identifiers: ClinVar variation 1055609 (VCV001055609.12), dbSNP rs2063471403, ClinGen allele CA377910450.

ClinVar aggregate classification (germline): Uncertain significance (1 of 4 stars; one submission).

Conditions:
Medulloblastoma (MDB). Also called: MEDULLOBLASTOMA PREDISPOSITION SYNDROME; Medulloblastoma, somatic. Identifiers: Orphanet 616, MedGen C0025149, MeSH D008527, MONDO:0007959, OMIM 155255, HP:0002885.
Gorlin syndrome. Also called: Nevoid Basal Cell Carcinoma Syndrome; Basal cell nevus syndrome. Identifiers: Orphanet 377, MedGen C0004779, MONDO:0007187.

Submission:

Labcorp Genetics (formerly Invitae), Labcorp
Classification: Uncertain significance for Gorlin syndrome; Medulloblastoma. Last evaluated: 2020-02-11. Review status: criteria provided, single submitter. Criteria: Invitae Variant Classification Sherloc (09022015). Collection method: clinical testing. Allele origin: germline.
Comment: This sequence change replaces lysine with arginine at codon 272 of the SUFU protein (p.Lys272Arg). The lysine residue is highly conserved and there is a small physicochemical difference between lysine and arginine. This variant is not present in population databases (ExAC no frequency). This variant has not been reported in the literature in individuals with SUFU-related conditions. Algorithms developed to predict the effect of missense changes on protein structure and function (SIFT, PolyPhen-2, Align-GVGD) all suggest that this variant is likely to be tolerated, but these predictions have not been confirmed by published functional studies and their clinical significance is uncertain. Algorithms developed to predict the effect of sequence changes on RNA splicing suggest that this variant may create or strengthen a splice site, but this prediction has not been confirmed by published transcriptional studies. In summary, the available evidence is currently insufficient to determine the role of this variant in disease. Therefore, it has been classified as a Variant of Uncertain Significance.